The following is an entry in ClinVar:

ClinVar aggregate classification (germline): Conflicting classifications of pathogenicity. Review status: criteria provided, conflicting classifications (1 of 4 stars). 5 submissions from 5 submitters: Uncertain significance (1); Benign (1); Likely benign (3). Last evaluated 2025-12-19.

Conditions:
Occipital pachygyria and polymicrogyria. Identifiers: Orphanet 280640, MedGen C3279875, MONDO:0013583, OMIM 614115.
Inborn genetic diseases. Identifiers: MedGen C0950123, MeSH D030342.

Allele frequency attached by ClinVar (database versions not stated): ESP Exome Variant Server 0.00023; gnomAD 0.00031 and 0.00033; ExAC 0.00039; TOPMed 0.00039; 1000 Genomes Project 0.00040; gnomAD exomes 0.00043; 1000 Genomes Project 30x 0.00047.
gnomAD v4.1: 475 of 1,614,156 alleles (0.029%); highest among the groups gnomAD compares: Middle Eastern, 0.049%; 4 homozygotes.

Submissions (5):

Labcorp Genetics (formerly Invitae), Labcorp
Classification: Likely benign. Last evaluated: 2025-12-19. Review status: criteria provided, single submitter. Criteria: Invitae Variant Classification Sherloc (09022015). Collection method: clinical testing. Allele origin: germline.

CeGaT Center for Human Genetics Tuebingen
Classification: Benign. Last evaluated: 2025-10-01. Review status: criteria provided, single submitter. Criteria: CeGaT Center For Human Genetics Tuebingen Variant Classification Criteria Version 2. Collection method: clinical testing. Allele origin: germline. Affected: yes. Observed: 2 variant alleles.
Comment: LAMC3: BP4, BS1, BS2

Ambry Genetics
Classification: Likely benign for Inborn genetic diseases. Last evaluated: 2021-10-07. Review status: criteria provided, single submitter. Criteria: Ambry Variant Classification Scheme 2023. Collection method: clinical testing. Allele origin: germline.

GeneDx
Classification: Likely benign. Last evaluated: 2020-04-13. Review status: criteria provided, single submitter. Criteria: GeneDx Variant Classification Process June 2021. Collection method: clinical testing. Allele origin: germline. Affected: yes.

Baylor Genetics
Classification: Uncertain significance for Occipital pachygyria and polymicrogyria. Last evaluated: 2018-01-29. Review status: criteria provided, single submitter. Criteria: ACMG Guidelines, 2015. Collection method: clinical testing. Allele origin: unknown. Affected: yes.
Comment: This variant was determined to be of uncertain significance according to ACMG Guidelines, 2015 [PMID:25741868].

NM_006059.4(LAMC3):c.4424G>A (p.Arg1475His)

Gene: LAMC3 (laminin subunit gamma 3; plus strand). Cytogenetic location: 9q34.12.
Variant type: single nucleotide variant.
Coding change: c.4424G>A on transcript NM_006059.4 (MANE Select); coding-DNA position 4424, G replaced by A.
Protein change: p.Arg1475His; replaces arginine 1475 with histidine.
Molecular consequence: missense variant.
Genome position (GRCh38, 1-based): chr9:131,087,764, G>A. VCF-style: chr9-131087764-G-A. GRCh37 (hg19) VCF-style: chr9-133963151-G-A.
Other names: short protein forms R1475H.
Identifiers: ClinVar variation 511018 (VCV000511018.45), dbSNP rs113354770, ClinGen allele CA5288179.
Genomic context (GRCh38, chr9:131,087,764, plus strand): 5'-CCTCCCCCTGAAAGGTGGGTGCTGGGCTGAGCGAGATGGAGCAGCAGATCCGGGAATCGC[G>A]TATCTCACTGGAGAAGGACATCGAGACCTTGTCAGAGCTGCTTGCCAGGCTGGGTAAGGA-3'
Protein context (NP_006050.3, residues 1465-1485): SEMEQQIRES[Arg1475His]ISLEKDIETL